The following is an entry in ClinVar:

ClinVar aggregate classification (germline): Uncertain significance (1 of 4 stars; one submission).

Submission:

GeneDx
Classification: Uncertain significance. Last evaluated: 2026-02-10. Review status: criteria provided, single submitter. Criteria: GeneDx Variant Classification Process June 2021. Collection method: clinical testing. Allele origin: germline.
Comment: Not observed at significant frequency in large population cohorts (gnomAD); In silico analysis supports that this missense variant has a deleterious effect on protein structure/function; Has not been previously published as pathogenic or benign to our knowledge

NM_001366145.2(TRPM3):c.512T>A (p.Met171Lys)

Gene: TRPM3 (transient receptor potential cation channel subfamily M member 3; minus strand). Cytogenetic location: 9q21.12.
Variant type: single nucleotide variant.
Coding change: c.512T>A on transcript NM_001366145.2 (MANE Select); coding-DNA position 512, T replaced by A.
Protein change: p.Met171Lys; replaces methionine 171 with lysine.
Molecular consequence: missense variant.
Genome position (GRCh38, 1-based): chr9:70,846,542, A>T on the plus strand (T>A on the coding strand, the complement: TRPM3 is on the minus strand). VCF-style: chr9-70846542-A-T. GRCh37 (hg19) VCF-style: chr9-73461458-A-T.
Other names: c.53T>A, p.Met18Lys (NM_001007470.3, NM_001366154.2, NM_020952.6 and 6 more transcripts); c.512T>A, p.Met171Lys (NM_001007471.4, NM_001366146.2, NM_001366147.2 and 6 more transcripts); c.518T>A, p.Met173Lys (NM_001366141.2, NM_001366142.2, NM_001366143.2 and 1 more transcripts); short protein forms M171K, M173K, M18K.
Identifiers: ClinVar variation 4976509 (VCV004976509.1).